The following is an entry in ClinVar:

NM_181703.4(GJA5):c.494T>C (p.Val165Ala)

Gene: GJA5 (gap junction protein alpha 5; minus strand). Cytogenetic location: 1q21.2.
Variant type: single nucleotide variant.
Coding change: c.494T>C on transcript NM_181703.4 (MANE Select); coding-DNA position 494, T replaced by C.
Protein change: p.Val165Ala; replaces valine 165 with alanine.
Molecular consequence: missense variant.
Genome position (GRCh38, 1-based): chr1:147,758,745, A>G on the plus strand (T>C on the coding strand, the complement: GJA5 is on the minus strand). VCF-style: chr1-147758745-A-G. GRCh37 (hg19) VCF-style: chr1-147230853-A-G.
Other names: c.494T>C, p.Val165Ala (NM_005266.7); short protein forms V165A.
Identifiers: ClinVar variation 3754484 (VCV003754484.2).

ClinVar aggregate classification (germline): Uncertain significance (1 of 4 stars; one submission).

Conditions:
Atrial fibrillation, familial, 11 (ATFB11). Identifiers: MedGen C3279693, MONDO:0013544, OMIM 614049.
Atrial standstill 1 (ATRST1). Also called: ATRIAL CARDIOMYOPATHY WITH HEART BLOCK; CARDIOMYOPATHY, FAMILIAL, WITH CONDUCTION DISTURBANCE; Atrial standstill, digenic (GJA5/SCN5A). Identifiers: Orphanet 1344, MedGen C4551959, MONDO:0007171, OMIM 108770.

Submission:

Labcorp Genetics (formerly Invitae), Labcorp
Classification: Uncertain significance for Atrial fibrillation, familial, 11; Atrial standstill 1. Last evaluated: 2024-02-07. Review status: criteria provided, single submitter. Criteria: Invitae Variant Classification Sherloc (09022015). Collection method: clinical testing. Allele origin: germline.
Comment: This sequence change replaces valine, which is neutral and non-polar, with alanine, which is neutral and non-polar, at codon 165 of the GJA5 protein (p.Val165Ala). This variant is not present in population databases (gnomAD no frequency). This variant has not been reported in the literature in individuals affected with GJA5-related conditions. Advanced modeling of protein sequence and biophysical properties (such as structural, functional, and spatial information, amino acid conservation, physicochemical variation, residue mobility, and thermodynamic stability) performed at Invitae indicates that this missense variant is not expected to disrupt GJA5 protein function with a negative predictive value of 80%. In summary, the available evidence is currently insufficient to determine the role of this variant in disease. Therefore, it has been classified as a Variant of Uncertain Significance.